The following is an entry in ClinVar:

NM_004484.4(GPC3):c.794G>A (p.Cys265Tyr)

Gene: GPC3 (glypican 3; minus strand). Cytogenetic location: Xq26.2.
Variant type: single nucleotide variant.
Coding change: c.794G>A on transcript NM_004484.4 (MANE Select); coding-DNA position 794, G replaced by A.
Protein change: p.Cys265Tyr; replaces cysteine 265 with tyrosine.
Molecular consequence: missense variant.
Genome position (GRCh38, 1-based): chrX:133,753,720, C>T on the plus strand (G>A on the coding strand, the complement: GPC3 is on the minus strand). VCF-style: chrX-133753720-C-T. GRCh37 (hg19) VCF-style: chrX-132887747-C-T.
Other names: c.794G>A, p.Cys265Tyr (NM_001164617.2); c.746G>A, p.Cys249Tyr (NM_001164618.2); c.632G>A, p.Cys211Tyr (NM_001164619.2); short protein forms C211Y, C249Y, C265Y.
Identifiers: ClinVar variation 5020435 (VCV005020435.1).

ClinVar aggregate classification (germline): Uncertain significance (1 of 4 stars; one submission).

Submission:

Dasa
Classification: Uncertain significance. Last evaluated: 2026-06-04. Review status: criteria provided, single submitter. Criteria: DASA Assertion Criteria. Collection method: clinical testing. Allele origin: germline.
Comment: NM_004484.4(GPC3):c.794G>A (p.Cys265Tyr) is a missense variant that results in the substitution of cysteine with tyrosine. This variant is absent from population databases. Computational prediction algorithms are consistent with a deleterious effect. The currently available literature and clinical evidence are not sufficient to establish a definitive association between this variant and the reported condition. Therefore, this variant is classified as a variant of uncertain significance.